The following is an entry in ClinVar:

ClinVar aggregate classification (germline): Uncertain significance (1 of 4 stars; one submission).

Conditions:
DK1-congenital disorder of glycosylation. Also called: CDG Im; DK1 DEFICIENCY; DOLICHOL KINASE DEFICIENCY; CONGENITAL DISORDER OF GLYCOSYLATION, TYPE Im; DK1-CDG; DOLK-congenital disorder of glycosylation. Identifiers: Orphanet 91131, MedGen C1835849, MONDO:0012556, OMIM 610768.

Allele frequency attached by ClinVar (database versions not stated): gnomAD exomes below 0.00001; TOPMed below 0.00001.

Submission:

Labcorp Genetics (formerly Invitae), Labcorp
Classification: Uncertain significance for DK1-congenital disorder of glycosylation. Last evaluated: 2020-12-02. Review status: criteria provided, single submitter. Criteria: Invitae Variant Classification Sherloc (09022015). Collection method: clinical testing. Allele origin: germline.
Comment: In summary, the available evidence is currently insufficient to determine the role of this variant in disease. Therefore, it has been classified as a Variant of Uncertain Significance. Algorithms developed to predict the effect of missense changes on protein structure and function are either unavailable or do not agree on the potential impact of this missense change (SIFT: "Deleterious"; PolyPhen-2: "Probably Damaging"; Align-GVGD: "Class C0"). This variant has not been reported in the literature in individuals with DOLK-related conditions. This variant is not present in population databases (ExAC no frequency). This sequence change replaces glutamine with histidine at codon 52 of the DOLK protein (p.Gln52His). The glutamine residue is moderately conserved and there is a small physicochemical difference between glutamine and histidine.

NM_014908.4(DOLK):c.156G>C (p.Gln52His)

Gene: DOLK (dolichol kinase; minus strand). Cytogenetic location: 9q34.11.
Variant type: single nucleotide variant.
Coding change: c.156G>C on transcript NM_014908.4 (MANE Select); coding-DNA position 156, G replaced by C.
Protein change: p.Gln52His; replaces glutamine 52 with histidine.
Molecular consequence: missense variant.
Genome position (GRCh38, 1-based): chr9:128,947,148, C>G on the plus strand (G>C on the coding strand, the complement: DOLK is on the minus strand). VCF-style: chr9-128947148-C-G. GRCh37 (hg19) VCF-style: chr9-131709427-C-G.
Other names: short protein forms Q52H.
Identifiers: ClinVar variation 1426888 (VCV001426888.7), dbSNP rs1339562262, ClinGen allele CA375128044.